The following is an entry in ClinVar:

NM_015346.4(ZFYVE26):c.4496C>A (p.Ser1499Ter)

Gene: ZFYVE26 (zinc finger FYVE-type containing 26; minus strand). Cytogenetic location: 14q24.1.
Variant type: single nucleotide variant.
Coding change: c.4496C>A on transcript NM_015346.4 (MANE Select); coding-DNA position 4496, C replaced by A.
Protein change: p.Ser1499Ter; replaces serine 1499 with a stop codon.
Molecular consequence: nonsense.
Genome position (GRCh38, 1-based): chr14:67,781,406, G>T on the plus strand (C>A on the coding strand, the complement: ZFYVE26 is on the minus strand). VCF-style: chr14-67781406-G-T. GRCh37 (hg19) VCF-style: chr14-68248123-G-T.
Other names: short protein forms S1499*.
Identifiers: ClinVar variation 2854911 (VCV002854911.3), dbSNP rs761108304, ClinGen allele CA7239755.

ClinVar aggregate classification (germline): Pathogenic (1 of 4 stars; one submission).

Conditions:
Spastic paraplegia. Identifiers: MedGen C0037772, HP:0001258.

Allele frequency attached by ClinVar (database versions not stated): ExAC 0.00001.
gnomAD v4.1: 1 of 1,614,196 alleles (0.000062%); no homozygotes.

Submission:

Labcorp Genetics (formerly Invitae), Labcorp
Classification: Pathogenic for Spastic paraplegia. Last evaluated: 2023-04-10. Review status: criteria provided, single submitter. Criteria: Invitae Variant Classification Sherloc (09022015). Collection method: clinical testing. Allele origin: germline.
Comment: This sequence change creates a premature translational stop signal (p.Ser1499*) in the ZFYVE26 gene. It is expected to result in an absent or disrupted protein product. Loss-of-function variants in ZFYVE26 are known to be pathogenic (PMID: 18394578, 19805727). This variant is present in population databases (rs761108304, gnomAD 0.01%). This variant has not been reported in the literature in individuals affected with ZFYVE26-related conditions. For these reasons, this variant has been classified as Pathogenic.

Literature cited by the submitters: PubMed 18394578; PubMed 19805727.